The following is an entry in ClinVar:

NM_014484.5(MOCS3):c.1175C>T (p.Ala392Val)

Gene: MOCS3 (molybdenum cofactor synthesis 3; plus strand). Cytogenetic location: 20q13.13.
Variant type: single nucleotide variant.
Coding change: c.1175C>T on transcript NM_014484.5 (MANE Select); coding-DNA position 1175, C replaced by T.
Protein change: p.Ala392Val; replaces alanine 392 with valine.
Molecular consequence: missense variant.
Genome position (GRCh38, 1-based): chr20:50,960,017, C>T. VCF-style: chr20-50960017-C-T. GRCh37 (hg19) VCF-style: chr20-49576554-C-T.
Other names: short protein forms A392V.
Identifiers: ClinVar variation 2804660 (VCV002804660.3), dbSNP rs1987062809, ClinGen allele CA408986561.

ClinVar aggregate classification (germline): Uncertain significance (1 of 4 stars; one submission).

Allele frequency attached by ClinVar (database versions not stated): gnomAD exomes below 0.00001; gnomAD 0.00001.

Submission:

Labcorp Genetics (formerly Invitae), Labcorp
Classification: Uncertain significance. Last evaluated: 2024-06-28. Review status: criteria provided, single submitter. Criteria: Invitae Variant Classification Sherloc (09022015). Collection method: clinical testing. Allele origin: germline.
Comment: This sequence change replaces alanine, which is neutral and non-polar, with valine, which is neutral and non-polar, at codon 392 of the MOCS3 protein (p.Ala392Val). This variant is not present in population databases (gnomAD no frequency). This variant has not been reported in the literature in individuals affected with MOCS3-related conditions. An algorithm developed to predict the effect of missense changes on protein structure and function (PolyPhen-2) suggests that this variant is likely to be tolerated. In summary, the available evidence is currently insufficient to determine the role of this variant in disease. Therefore, it has been classified as a Variant of Uncertain Significance.